The following is an entry in ClinVar:

NM_207111.4(RNF216):c.2684G>A (p.Arg895Gln)

Gene: RNF216 (ring finger protein 216; minus strand). Cytogenetic location: 7p22.1.
Variant type: single nucleotide variant.
Coding change: c.2684G>A on transcript NM_207111.4 (MANE Select); coding-DNA position 2684, G replaced by A.
Protein change: p.Arg895Gln; replaces arginine 895 with glutamine.
Molecular consequence: missense variant.
Genome position (GRCh38, 1-based): chr7:5,622,948, C>T on the plus strand (G>A on the coding strand, the complement: RNF216 is on the minus strand). VCF-style: chr7-5622948-C-T. GRCh37 (hg19) VCF-style: chr7-5662579-C-T.
Other names: c.2513G>A, p.Arg838Gln (NM_001377156.1, NM_207116.3); c.2684G>A (NM_207111.3); short protein forms R838Q, R895Q.
Identifiers: ClinVar variation 1481696 (VCV001481696.11), dbSNP rs150725128, ClinGen allele CA4147719.

ClinVar aggregate classification (germline): Uncertain significance. Review status: criteria provided, multiple submitters, no conflicts (2 of 4 stars). 2 submissions from 2 submitters: Uncertain significance (2). Last evaluated 2025-06-26.

Conditions:
Inborn genetic diseases. Identifiers: MedGen C0950123, MeSH D030342.

Allele frequency attached by ClinVar (database versions not stated): gnomAD exomes 0.00001 and 0.00003; ExAC 0.00003; gnomAD 0.00006; TOPMed 0.00006; ESP Exome Variant Server 0.00008.
gnomAD v4.1: 25 of 1,613,852 alleles (0.0015%); highest among the groups gnomAD compares: African/African-American, 0.016%; no homozygotes.

Submissions (2):

Ambry Genetics
Classification: Uncertain significance for Inborn genetic diseases. Last evaluated: 2025-06-26. Review status: criteria provided, single submitter. Criteria: Ambry Variant Classification Scheme 2023. Collection method: clinical testing. Allele origin: germline.

Labcorp Genetics (formerly Invitae), Labcorp
Classification: Uncertain significance. Last evaluated: 2021-12-02. Review status: criteria provided, single submitter. Criteria: Invitae Variant Classification Sherloc (09022015). Collection method: clinical testing. Allele origin: germline.
Comment: In summary, the available evidence is currently insufficient to determine the role of this variant in disease. Therefore, it has been classified as a Variant of Uncertain Significance. Algorithms developed to predict the effect of sequence changes on RNA splicing suggest that this variant may create or strengthen a splice site. Algorithms developed to predict the effect of missense changes on protein structure and function are either unavailable or do not agree on the potential impact of this missense change (SIFT: "Tolerated"; PolyPhen-2: "Probably Damaging"; Align-GVGD: "Class C0"). This variant has not been reported in the literature in individuals affected with RNF216-related conditions. This variant is present in population databases (rs150725128, gnomAD 0.01%). This sequence change replaces arginine, which is basic and polar, with glutamine, which is neutral and polar, at codon 895 of the RNF216 protein (p.Arg895Gln).